The following is an entry in ClinVar:

ClinVar aggregate classification (germline): Uncertain significance. Review status: criteria provided, multiple submitters, no conflicts (2 of 4 stars). 3 submissions from 3 submitters: Uncertain significance (3). Last evaluated 2026-07-06.

Conditions:
SPG11-related disorder. Also called: SPG11-related condition.
Hereditary spastic paraplegia 11. Also called: Spastic paraplegia, mental retardation and thin corpus callosum; Nakamura Osame syndrome; Autosomal recessive hereditary spastic paraplegia, mental impairment, and thin corpus callosum; Spastic Paraplegia 11; SPASTIC PARAPLEGIA, AUTOSOMAL RECESSIVE, COMPLICATED, WITH THIN CORPUS CALLOSUM; SPASTIC PARAPLEGIA, AUTOSOMAL RECESSIVE, WITH MENTAL IMPAIRMENT AND THIN CORPUS CALLOSUM. Identifiers: Orphanet 2822, MedGen C1858479, MONDO:0011445, OMIM 604360.
Inborn genetic diseases. Identifiers: MedGen C0950123, MeSH D030342.

Allele frequency attached by ClinVar (database versions not stated): TOPMed below 0.00001; ExAC 0.00001; gnomAD 0.00001; gnomAD exomes 0.00001 and 0.00002.

Submissions (3):

PreventionGenetics, part of Exact Sciences
Classification: Uncertain significance for SPG11-related condition. Last evaluated: 2026-07-06. Review status: criteria provided, single submitter. Criteria: ACMG Guidelines, 2015. Collection method: clinical testing. Allele origin: germline.
Comment: The SPG11 c.757C>T variant is predicted to result in the amino acid substitution p.Pro253Ser. To our knowledge, this variant has not been reported in the literature. This variant is reported in 0.0026% of alleles in individuals of European (non-Finnish) descent in gnomAD. At this time, the clinical significance of this variant is uncertain due to the absence of conclusive functional and genetic evidence.

Ambry Genetics
Classification: Uncertain significance for Inborn genetic diseases. Last evaluated: 2024-06-10. Review status: criteria provided, single submitter. Criteria: Ambry Variant Classification Scheme 2023. Collection method: clinical testing. Allele origin: germline.

Labcorp Genetics (formerly Invitae), Labcorp
Classification: Uncertain significance for Hereditary spastic paraplegia 11. Last evaluated: 2022-07-16. Review status: criteria provided, single submitter. Criteria: Invitae Variant Classification Sherloc (09022015). Collection method: clinical testing. Allele origin: germline.
Comment: This sequence change replaces proline, which is neutral and non-polar, with serine, which is neutral and polar, at codon 253 of the SPG11 protein (p.Pro253Ser). This variant is present in population databases (rs777515617, gnomAD 0.002%). This variant has not been reported in the literature in individuals affected with SPG11-related conditions. ClinVar contains an entry for this variant (Variation ID: 649822). Algorithms developed to predict the effect of missense changes on protein structure and function output the following: SIFT: "Tolerated"; PolyPhen-2: "Benign"; Align-GVGD: "Class C0". The serine amino acid residue is found in multiple mammalian species, which suggests that this missense change does not adversely affect protein function. In summary, the available evidence is currently insufficient to determine the role of this variant in disease. Therefore, it has been classified as a Variant of Uncertain Significance.

NM_025137.4(SPG11):c.757C>T (p.Pro253Ser)

Gene: SPG11 (SPG11 vesicle trafficking associated, spatacsin; minus strand). Cytogenetic location: 15q21.1.
Variant type: single nucleotide variant.
Coding change: c.757C>T on transcript NM_025137.4 (MANE Select); coding-DNA position 757, C replaced by T.
Protein change: p.Pro253Ser; replaces proline 253 with serine.
Molecular consequence: missense variant.
Genome position (GRCh38, 1-based): chr15:44,657,207, G>A on the plus strand (C>T on the coding strand, the complement: SPG11 is on the minus strand). VCF-style: chr15-44657207-G-A. GRCh37 (hg19) VCF-style: chr15-44949405-G-A.
Other names: c.757C>T, p.Pro253Ser (NM_001160227.2); short protein forms P253S.
Identifiers: ClinVar variation 649822 (VCV000649822.11), dbSNP rs777515617, ClinGen allele CA7535730.